The following is an entry in ClinVar:

NM_001018111.3(PODXL):c.1186G>A (p.Gly396Ser)

Gene: PODXL (podocalyxin like; minus strand). Cytogenetic location: 7q32.3.
Variant type: single nucleotide variant.
Coding change: c.1186G>A on transcript NM_001018111.3 (MANE Select); coding-DNA position 1186, G replaced by A.
Protein change: p.Gly396Ser; replaces glycine 396 with serine.
Molecular consequence: missense variant.
Genome position (GRCh38, 1-based): chr7:131,506,642, C>T on the plus strand (G>A on the coding strand, the complement: PODXL is on the minus strand). VCF-style: chr7-131506642-C-T. GRCh37 (hg19) VCF-style: chr7-131191401-C-T.
Other names: c.1186G>A (NM_001018111.2); c.1090G>A, p.Gly364Ser (NM_005397.4); c.1090G>A (NM_005397.3); short protein forms G396S, G364S.
Identifiers: ClinVar variation 2046488 (VCV002046488.7), dbSNP rs140483735, ClinGen allele CA4488457.

ClinVar aggregate classification (germline): Likely benign. Review status: criteria provided, multiple submitters, no conflicts (2 of 4 stars). 3 submissions from 3 submitters: Likely benign (2). 1 of the submissions does not count toward it. Last evaluated 2026-02-01.

Conditions:
PODXL-related disorder. Also called: PODXL-related condition.
Inborn genetic diseases. Identifiers: MedGen C0950123, MeSH D030342.

Allele frequency attached by ClinVar (database versions not stated): gnomAD exomes 0.00014; ExAC 0.00034; gnomAD 0.00104; TOPMed 0.00107; 1000 Genomes Project 30x 0.00125; 1000 Genomes Project 0.00140; ESP Exome Variant Server 0.00177.
gnomAD v4.1: 372 of 1,614,212 alleles (0.023%); highest among the groups gnomAD compares: African/African-American, 0.42%; 1 homozygote.

Submissions (3):

Labcorp Genetics (formerly Invitae), Labcorp
Classification: Likely benign. Last evaluated: 2026-02-01. Review status: criteria provided, single submitter. Criteria: Invitae Variant Classification Sherloc (09022015). Collection method: clinical testing. Allele origin: germline.

Ambry Genetics
Classification: Likely benign for Inborn genetic diseases. Last evaluated: 2025-03-08. Review status: criteria provided, single submitter. Criteria: Ambry Variant Classification Scheme 2023. Collection method: clinical testing. Allele origin: germline.

PreventionGenetics, part of Exact Sciences
Classification: Likely benign for PODXL-related condition. Last evaluated: 2022-04-15. Review status: no assertion criteria provided. Collection method: clinical testing. Allele origin: germline. Not counted in ClinVar's aggregate classification.
Comment: This variant is classified as likely benign based on ACMG/AMP sequence variant interpretation guidelines (Richards et al. 2015 PMID: 25741868, with internal and published modifications).